The following is an entry in ClinVar:

ClinVar aggregate classification (germline): Conflicting classifications of pathogenicity. Review status: criteria provided, conflicting classifications (1 of 4 stars). 2 submissions from 2 submitters: Likely pathogenic (1); Uncertain significance (1). Last evaluated 2025-05-01.

Conditions:
PKD1-related disorder. Also called: PKD1-related condition.

Submissions (2):

Women's Health and Genetics/Laboratory Corporation of America, LabCorp
Classification: Uncertain significance. Last evaluated: 2025-05-01. Review status: criteria provided, single submitter. Criteria: LabCorp Variant Classification Summary - May 2015. Collection method: clinical testing. Allele origin: germline.
Comment: Variant summary: PKD1 c.12588_12589ins12 (p.Gly4196_Leu4197insMetSerValSer) results in an in-frame insertion that is predicted to insert 3 amino acids into the encoded protein. The variant was absent in 244118 control chromosomes. The available data on variant occurrences in the general population are insufficient to allow any conclusion about variant significance. To our knowledge, no occurrence of c.12588_12589ins12 in individuals affected with PKD1-Biallelic Autosomal Recessive Polycystic Kidney Disease and no experimental evidence demonstrating its impact on protein function have been reported. No submitters have cited clinical-significance assessments for this variant to ClinVar. Based on the evidence outlined above, the variant was classified as uncertain significance.

Blueprint Genetics
Classification: Likely pathogenic for PKD1-related disorders. Last evaluated: 2019-01-18. Review status: criteria provided, single submitter. Criteria: ACMG Guidelines, 2015. Collection method: clinical testing. Allele origin: germline. Affected: yes. Observed: 1 variant allele.

NM_001009944.3(PKD1):c.12588_12589insATGAGCGTGAGC (p.Gly4196_Leu4197insMetSerValSer)

Gene: PKD1 (polycystin 1, transient receptor potential channel interacting; minus strand). Cytogenetic location: 16p13.3.
Variant type: Insertion.
Coding change: c.12588_12589insATGAGCGTGAGC on transcript NM_001009944.3 (MANE Select); coding-DNA positions 12588 to 12589, ATGAGCGTGAGC inserted.
Protein change: p.Gly4196_Leu4197insMetSerValSer.
Molecular consequence: inframe insertion.
Genome position: GRCh38 VCF-style: chr16-2090050-G-GGCTCACGCTCAT. GRCh37 (hg19) VCF-style: chr16-2140051-G-GGCTCACGCTCAT.
Other names: c.12585_12586insATGAGCGTGAGC, p.Gly4195_Leu4196insMetSerValSer (NM_000296.4).
Identifiers: ClinVar variation 3902599 (VCV003902599.2).